The following is an entry in ClinVar:

NM_000492.4(CFTR):c.2597G>A (p.Cys866Tyr)

Gene: CFTR (CF transmembrane conductance regulator; plus strand). Cytogenetic location: 7q31.2.
Variant type: single nucleotide variant.
Coding change: c.2597G>A on transcript NM_000492.4 (MANE Select); coding-DNA position 2597, G replaced by A.
Protein change: p.Cys866Tyr; replaces cysteine 866 with tyrosine.
Molecular consequence: missense variant.
Genome position (GRCh38, 1-based): chr7:117,595,036, G>A. VCF-style: chr7-117595036-G-A. GRCh37 (hg19) VCF-style: chr7-117235090-G-A.
Other names: short protein forms C866Y.
Identifiers: ClinVar variation 35843 (VCV000035843.22), dbSNP rs193922506, ClinGen allele CA325700.

ClinVar aggregate classification (germline): Uncertain significance. Review status: criteria provided, multiple submitters, no conflicts (2 of 4 stars). 9 submissions from 9 submitters: Uncertain significance (7). 2 of the submissions do not count toward it. Last evaluated 2026-01-02.

Conditions:
Cystic fibrosis (CF). Also called: MUCOVISCIDOSIS. Identifiers: Orphanet 586, MedGen C0010674, MONDO:0009061, OMIM 219700. Disease mechanism: loss of function.

Allele frequency attached by ClinVar (database versions not stated): ExAC 0.00006; gnomAD 0.00007 and 0.00005; ESP Exome Variant Server 0.00008; TOPMed 0.00004; gnomAD exomes 0.00005 and 0.00008.
gnomAD v4.1: 123 of 1,612,548 alleles (0.0076%); highest among the groups gnomAD compares: East Asian, 0.013%; no homozygotes.

Submissions (9):

Women's Health and Genetics/Laboratory Corporation of America, LabCorp
Classification: Uncertain significance. Last evaluated: 2026-01-02. Review status: criteria provided, single submitter. Criteria: LabCorp Variant Classification Summary - May 2015. Collection method: clinical testing. Allele origin: germline.
Comment: Variant summary: CFTR c.2597G>A (p.Cys866Tyr) results in a non-conservative amino acid change located in the ABC transporter type 1, transmembrane domain (IPR011527) of the encoded protein sequence. Algorithms developed to predict the effect of missense changes on protein structure and function all suggest that this variant is likely to be disruptive. The variant allele was found at a frequency of 4.8e-05 in 251302 control chromosomes. This frequency is not significantly higher than estimated for a pathogenic variant in CFTR causing Cystic Fibrosis (4.8e-05 vs 0.013), allowing no conclusion about variant significance. c.2597G>A has been reported in the literature in 1 homozygous individual with Cystic Fibrosis without detailed clinical presentations (Baaran_2021) and in at least one individual affected with Cystic Fibrosis without a reported second variant (Tsui_1992, Le Marechal_2001). These reports do not provide unequivocal conclusions about association of the variant with Cystic Fibrosis. At least one publication reports experimental evidence evaluating an impact on protein function. The most pronounced variant effect resulted in approximately (Gt channel conductance) 13% of normal chloride channel conductance relative to wild type (e.g., Bihler_2024). The following publications have been ascertained in the context of this evaluation (PMID: 12124743, 7521710, 10923036, 1284534, 8844213, 11379874, 19139070, 25087612, 25735457, 34996830, 35110256). ClinVar contains an entry for this variant (Variation ID: 35843). Based on the evidence outlined above, the variant was classified as VUS-possibly pathogenic.

Ambry Genetics
Classification: Uncertain significance for Cystic fibrosis. Last evaluated: 2025-07-30. Review status: criteria provided, single submitter. Criteria: Ambry Variant Classification Scheme 2023. Collection method: clinical testing. Allele origin: germline.
Comment: The p.C866Y variant (also known as c.2597G>A), located in coding exon 15 of the CFTR gene, results from a G to A substitution at nucleotide position 2597. The cysteine at codon 866 is replaced by tyrosine, an amino acid with highly dissimilar properties. This alteration has been described in a patient with echogenic bowel, but no other symptoms were reported (Ferec et al. Cystic Fibrosis Mutation Database [database online] Toronto, ON, Canada: SickKids; 1991; Tsui LC. Hum. Mutat., 1992;1:197-203). In addition, this alteration has been detected in individuals with nonspecific heart and lung phenotypes via whole exome sequencing and in individuals with cystic fibrosis; however, no specific clinical details were provided (Tabor HK et al. Am. J. Hum. Genet., 2014 Aug;95:183-93; Salvatore F et al. Am. J. Med. Genet., 2002 Jul;111:88-95; Ravnik-Glavac M et al. Hum. Mol. Genet., 1994 May;3:801-7; Claustres M et al. Hum. Mutat., 2000;16:143-56; Amorim CEG et al. PLoS Genet., 2017 Sep;13:e1006915). In an assay testing CFTR function, this variant showed a functionally abnormal result (Bihler H et al. J Cyst Fibros, 2024 Jul;23:664-675). This amino acid position is well conserved in available vertebrate species. In addition, this alteration is predicted to be deleterious by in silico analysis. Based on the available evidence, the clinical significance of this variant remains unclear.

Mayo Clinic Laboratories, Mayo Clinic
Classification: Uncertain significance. Last evaluated: 2025-05-05. Review status: criteria provided, single submitter. Criteria: ACMG Guidelines, 2015. Collection method: clinical testing. Allele origin: germline. Observed: 1 variant allele.
Comment: PP3, PM2_supporting, PM3_supporting

Labcorp Genetics (formerly Invitae), Labcorp
Classification: Uncertain significance for Cystic fibrosis. Last evaluated: 2024-10-21. Review status: criteria provided, single submitter. Criteria: Invitae Variant Classification Sherloc (09022015). Collection method: clinical testing. Allele origin: germline.
Comment: This sequence change replaces cysteine, which is neutral and slightly polar, with tyrosine, which is neutral and polar, at codon 866 of the CFTR protein (p.Cys866Tyr). This variant is present in population databases (rs193922506, gnomAD 0.02%). This missense change has been observed in individual(s) with CFTR-related conditions (PMID: 1284534, 10923036, 11379874). ClinVar contains an entry for this variant (Variation ID: 35843). Invitae Evidence Modeling of protein sequence and biophysical properties (such as structural, functional, and spatial information, amino acid conservation, physicochemical variation, residue mobility, and thermodynamic stability) indicates that this missense variant is expected to disrupt CFTR protein function with a positive predictive value of 80%. In summary, the available evidence is currently insufficient to determine the role of this variant in disease. Therefore, it has been classified as a Variant of Uncertain Significance.

Blueprint Genetics
Classification: Uncertain significance. Last evaluated: 2022-03-13. Review status: criteria provided, single submitter. Criteria: ACMG Guidelines, 2015. Collection method: clinical testing. Allele origin: germline.

Genome-Nilou Lab
Classification: Uncertain significance for Cystic fibrosis. Last evaluated: 2021-09-05. Review status: criteria provided, single submitter. Criteria: ACMG Guidelines, 2015. Collection method: clinical testing. Allele origin: germline. Affected: no.

Quest Diagnostics Nichols Institute San Juan Capistrano
Classification: Uncertain significance. Last evaluated: 2020-02-17. Review status: criteria provided, single submitter. Criteria: Quest Diagnostics criteria. Collection method: clinical testing. Allele origin: unknown.

Natera, Inc.
Classification: Uncertain significance for Cystic Fibrosis. Last evaluated: 2020-09-16. Review status: no assertion criteria provided. Collection method: clinical testing. Allele origin: germline. Not counted in ClinVar's aggregate classification.

Counsyl
Classification: Uncertain significance for Cystic fibrosis. Last evaluated: 2018-01-05. Review status: no assertion criteria provided. Collection method: clinical testing. Allele origin: unknown. Not counted in ClinVar's aggregate classification.

Literature cited by the submitters: PubMed 12124743 (cited by Women's Health and Genetics/Laboratory Corporation of America, LabCorp and Ambry Genetics); PubMed 7521710 (cited by Women's Health and Genetics/Laboratory Corporation of America, LabCorp and Ambry Genetics); PubMed 10923036 (cited by 6 submitters); PubMed 1284534 (cited by 4 submitters); PubMed 8844213 (cited by 3 submitters); PubMed 11379874 (cited by 3 submitters); PubMed 19139070 (cited by Women's Health and Genetics/Laboratory Corporation of America, LabCorp and Ambry Genetics); PubMed 25087612 (cited by 4 submitters); PubMed 25735457 (cited by Women's Health and Genetics/Laboratory Corporation of America, LabCorp); PubMed 34996830 (cited by Women's Health and Genetics/Laboratory Corporation of America, LabCorp); PubMed 38388235 (cited by 3 submitters); PubMed 35110256 (cited by Women's Health and Genetics/Laboratory Corporation of America, LabCorp and Mayo Clinic Laboratories, Mayo Clinic); PubMed 28957316 (cited by Ambry Genetics); PubMed 30019023 (cited by Ambry Genetics); PubMed 37622442 (cited by Mayo Clinic Laboratories, Mayo Clinic).